The following is an entry in ClinVar:

ClinVar aggregate classification (germline): Benign/Likely benign. Review status: criteria provided, multiple submitters, no conflicts (2 of 4 stars). 3 submissions from 3 submitters: Benign (1); Likely benign (2). Last evaluated 2024-10-10.

Conditions:
Hereditary cancer-predisposing syndrome. Also called: Neoplastic Syndromes, Hereditary; Hereditary neoplastic syndrome; Tumor predisposition; Hereditary Cancer Syndrome. Identifiers: Orphanet 140162, MedGen C0027672, MeSH D009386, MONDO:0015356.
Hereditary diffuse gastric adenocarcinoma (HDGC). Also called: DIFFUSE GASTRIC AND LOBULAR BREAST CANCER SYNDROME. Identifiers: Orphanet 26106, MedGen C1708349, MONDO:0007648, OMIM 137215.

Allele frequency attached by ClinVar (database versions not stated): gnomAD exomes below 0.00001; ExAC 0.00001.
gnomAD v4.1: 1 of 1,610,554 alleles (0.000062%); highest among the groups gnomAD compares: Non-Finnish European, 0.000085%; no homozygotes.

Submissions (3):

Myriad Genetics, Inc.
Classification: Benign for Hereditary diffuse gastric adenocarcinoma. Last evaluated: 2024-10-10. Review status: criteria provided, single submitter. Criteria: Myriad Autosomal Dominant, Autosomal Recessive and X-Linked Classification Criteria (2023). Collection method: clinical testing. Allele origin: unknown.
Comment: This variant is considered benign. This variant is a silent/synonymous amino acid change and it is not expected to impact splicing.

Labcorp Genetics (formerly Invitae), Labcorp
Classification: Likely benign. Last evaluated: 2024-08-27. Review status: criteria provided, single submitter. Criteria: Invitae Variant Classification Sherloc (09022015). Collection method: clinical testing. Allele origin: germline.

Ambry Genetics
Classification: Likely benign for Hereditary cancer-predisposing syndrome. Last evaluated: 2024-02-25. Review status: criteria provided, single submitter. Criteria: Ambry Variant Classification Scheme 2023. Collection method: clinical testing. Allele origin: germline.

NM_001903.5(CTNNA1):c.855T>C (p.Phe285=)

Gene: CTNNA1 (catenin alpha 1; plus strand). Cytogenetic location: 5q31.2.
Variant type: single nucleotide variant.
Coding change: c.855T>C on transcript NM_001903.5 (MANE Select); coding-DNA position 855, T replaced by C.
Protein change: p.Phe285=; no amino-acid change (phenylalanine 285 retained).
Molecular consequence: synonymous variant.
Genome position (GRCh38, 1-based): chr5:138,824,796, T>C. VCF-style: chr5-138824796-T-C. GRCh37 (hg19) VCF-style: chr5-138160485-T-C.
Other names: c.855T>C, p.Phe285= (NM_001290307.3, NM_001323982.2, NM_001323983.1 and 3 more transcripts); c.546T>C, p.Phe182= (NM_001290309.3); c.486T>C, p.Phe162= (NM_001290310.3); c.855T>C (NM_001903.2).
Identifiers: ClinVar variation 1135688 (VCV001135688.11), dbSNP rs756271500, ClinGen allele CA3431568.